The following is an entry in ClinVar:

ClinVar aggregate classification (germline): Pathogenic (1 of 4 stars; one submission).

Conditions:
Hereditary cancer-predisposing syndrome. Also called: Neoplastic Syndromes, Hereditary; Tumor predisposition; Hereditary Cancer Syndrome; Hereditary neoplastic syndrome. Identifiers: Orphanet 140162, MedGen C0027672, MeSH D009386, MONDO:0015356.

Submission:

Ambry Genetics
Classification: Pathogenic for Hereditary cancer-predisposing syndrome. Last evaluated: 2018-10-16. Review status: criteria provided, single submitter. Criteria: Ambry Variant Classification Scheme 2023. Collection method: clinical testing. Allele origin: germline.
Comment: The c.1946_1949delAAGA pathogenic mutation, located in coding exon 5 of the PALB2 gene, results from a deletion of 4 nucleotides at nucleotide positions 1946 to 1949, causing a translational frameshift with a predicted alternate stop codon (p.K649Rfs*10). This alteration is expected to result in loss of function by premature protein truncation or nonsense-mediated mRNA decay. As such, this alteration is interpreted as a disease-causing mutation.

NM_024675.4(PALB2):c.1946_1949del (p.Lys649fs)

Gene: PALB2 (partner and localizer of BRCA2; minus strand). Cytogenetic location: 16p12.2.
Variant type: Deletion.
Coding change: c.1946_1949del on transcript NM_024675.4 (MANE Select); coding-DNA positions 1946 to 1949, 4 bases deleted (AAGA; older notation c.1946_1949delAAGA).
Protein change: p.Lys649fs; shifts the reading frame from lysine 649.
Molecular consequence: frameshift variant.
Genome position (GRCh38, 1-based): chr16:23,630,205-23,630,208, TCTT deleted on the plus strand (AAGA on the coding strand, the reverse complement: PALB2 is on the minus strand); deleting any 4 consecutive bases within chr16:23,630,205-23,630,209 gives the same sequence; the c. name uses the placement nearest the transcript's 3' end. VCF-style (leftmost placement, unchanged base first): chr16-23630204-CTCTT-C. GRCh37 (hg19) VCF-style: chr16-23641525-CTCTT-C.
Other names: short protein forms K649fs.
Identifiers: ClinVar variation 820393 (VCV000820393.4), dbSNP rs1597090656, ClinGen allele CA915949192.